The following is an entry in ClinVar:

NM_002602.4(PDE6G):c.222C>A (p.Asn74Lys)

Gene: PDE6G (phosphodiesterase 6G; minus strand). Cytogenetic location: 17q25.3.
Variant type: single nucleotide variant.
Coding change: c.222C>A on transcript NM_002602.4 (MANE Select); coding-DNA position 222, C replaced by A.
Protein change: p.Asn74Lys; replaces asparagine 74 with lysine.
Molecular consequence: missense variant. On other transcripts: non-coding transcript variant (2).
Genome position (GRCh38, 1-based): chr17:81,651,116, G>T on the plus strand (C>A on the coding strand, the complement: PDE6G is on the minus strand). VCF-style: chr17-81651116-G-T. GRCh37 (hg19) VCF-style: chr17-79618146-G-T.
Other names: c.222C>A, p.Asn74Lys (NM_001365724.1, NM_001365725.1); short protein forms N74K.
Identifiers: ClinVar variation 3210773 (VCV003210773.2), dbSNP rs2144395948, ClinGen allele CA401473930.

ClinVar aggregate classification (germline): Uncertain significance. Review status: criteria provided, multiple submitters, no conflicts (2 of 4 stars). 2 submissions from 2 submitters: Uncertain significance (2). Last evaluated 2025-03-05.

Submissions (2):

Labcorp Genetics (formerly Invitae), Labcorp
Classification: Uncertain significance. Last evaluated: 2025-03-05. Review status: criteria provided, single submitter. Criteria: Invitae Variant Classification Sherloc (09022015). Collection method: clinical testing. Allele origin: germline.
Comment: This sequence change replaces asparagine, which is neutral and polar, with lysine, which is basic and polar, at codon 74 of the PDE6G protein (p.Asn74Lys). This variant is not present in population databases (gnomAD no frequency). This variant has not been reported in the literature in individuals affected with PDE6G-related conditions. ClinVar contains an entry for this variant (Variation ID: 3210773). An algorithm developed to predict the effect of missense changes on protein structure and function (PolyPhen-2) suggests that this variant is likely to be tolerated. In summary, the available evidence is currently insufficient to determine the role of this variant in disease. Therefore, it has been classified as a Variant of Uncertain Significance.

Ambry Genetics
Classification: Uncertain significance. Last evaluated: 2023-12-13. Review status: criteria provided, single submitter. Criteria: Ambry Variant Classification Scheme 2023. Collection method: clinical testing. Allele origin: germline.